The following is an entry in ClinVar:

ClinVar aggregate classification (germline): Uncertain significance (1 of 4 stars; one submission).

Allele frequency attached by ClinVar (database versions not stated): ExAC 0.00001; gnomAD exomes 0.00001.
gnomAD v4.1: 19 of 1,612,838 alleles (0.0012%); highest among the groups gnomAD compares: Admixed American, 0.0033%; no homozygotes.

Submission:

Labcorp Genetics (formerly Invitae), Labcorp
Classification: Uncertain significance. Last evaluated: 2023-11-20. Review status: criteria provided, single submitter. Criteria: Invitae Variant Classification Sherloc (09022015). Collection method: clinical testing. Allele origin: germline.
Comment: This sequence change replaces valine, which is neutral and non-polar, with methionine, which is neutral and non-polar, at codon 1921 of the MPDZ protein (p.Val1921Met). This variant is present in population databases (rs758517075, gnomAD 0.003%). This variant has not been reported in the literature in individuals affected with MPDZ-related conditions. ClinVar contains an entry for this variant (Variation ID: 1461973). An algorithm developed to predict the effect of missense changes on protein structure and function (PolyPhen-2) suggests that this variant is likely to be disruptive. In summary, the available evidence is currently insufficient to determine the role of this variant in disease. Therefore, it has been classified as a Variant of Uncertain Significance.

NM_001378778.1(MPDZ):c.5848G>A (p.Val1950Met)

Gene: MPDZ (multiple PDZ domain crumbs cell polarity complex component; minus strand). Cytogenetic location: 9p23.
Variant type: single nucleotide variant.
Coding change: c.5848G>A on transcript NM_001378778.1 (MANE Select); coding-DNA position 5848, G replaced by A.
Protein change: p.Val1950Met; replaces valine 1950 with methionine.
Molecular consequence: missense variant.
Genome position (GRCh38, 1-based): chr9:13,110,046, C>T on the plus strand (G>A on the coding strand, the complement: MPDZ is on the minus strand). VCF-style: chr9-13110046-C-T. GRCh37 (hg19) VCF-style: chr9-13110045-C-T.
Other names: c.5749G>A, p.Val1917Met (NM_001261406.2, NM_001375416.1, NM_001375417.1 and 1 more transcripts); c.5662G>A, p.Val1888Met (NM_001261407.2, NM_001375419.1); c.5848G>A, p.Val1950Met (NM_001330637.2); c.5947G>A, p.Val1983Met (NM_001375413.1); c.5638G>A, p.Val1880Met (NM_001375420.1, NM_001375421.1, NM_001375422.1 and 2 more transcripts); c.5551G>A, p.Val1851Met (NM_001375425.1, NM_001375426.1); c.5440G>A, p.Val1814Met (NM_001375427.1); c.5761G>A, p.Val1921Met (NM_003829.5); short protein forms V1880M, V1851M, V1888M, V1814M, V1917M, V1921M, V1983M, V1950M.
Identifiers: ClinVar variation 1461973 (VCV001461973.8), dbSNP rs758517075, ClinGen allele CA4986064.
Genomic context (GRCh38, chr9:13,110,046, plus strand): 5'-GCCCAGTGAAAGAAAGACTGGAACTTGCAGGCTCCTGCTGATGACCTGTGACCACACTCA[C>T]GTCTCCTCCAGCAACCACCTGCGCACAGGAGGAGGATAAACAGAAAAAACACATGTTCCT-3'
Protein context (NP_001365707.1, residues 1940-1960): IEMQVVAGGD[Val1950Met]SVVTGHQQEP